The following is an entry in ClinVar:

NM_000548.5(TSC2):c.4507C>A (p.Gln1503Lys)

Gene: TSC2 (TSC complex subunit 2; plus strand). Cytogenetic location: 16p13.3.
Variant type: single nucleotide variant.
Coding change: c.4507C>A on transcript NM_000548.5 (MANE Select); coding-DNA position 4507, C replaced by A.
Protein change: p.Gln1503Lys; replaces glutamine 1503 with lysine.
Molecular consequence: missense variant.
Genome position (GRCh38, 1-based): chr16:2,084,964, C>A. VCF-style: chr16-2084964-C-A. GRCh37 (hg19) VCF-style: chr16-2134965-C-A.
Other names: c.4306C>A, p.Gln1436Lys (NM_001077183.3); c.4438C>A, p.Gln1480Lys (NM_001114382.3); c.4198C>A, p.Gln1400Lys (NM_001318827.2); c.4162C>A, p.Gln1388Lys (NM_001318829.2); c.3775C>A, p.Gln1259Lys (NM_001318831.2); c.4339C>A, p.Gln1447Lys (NM_001318832.2); c.4309C>A, p.Gln1437Lys (NM_001363528.2); c.4375C>A, p.Gln1459Lys (NM_001370404.1); and 1 more; short protein forms Q1459K, Q1480K, Q1503K, Q1400K, Q1437K, Q1436K, Q1259K, Q1388K.
Identifiers: ClinVar variation 838445 (VCV000838445.4), dbSNP rs45517348, ClinGen allele CA394302738.

ClinVar aggregate classification (germline): Uncertain significance (1 of 4 stars; one submission).

Conditions:
Tuberous sclerosis 2 (TSC2). Identifiers: Orphanet 805, MedGen C1860707, MONDO:0013199, OMIM 613254.

Submission:

Labcorp Genetics (formerly Invitae), Labcorp
Classification: Uncertain significance for Tuberous sclerosis 2. Last evaluated: 2023-12-06. Review status: criteria provided, single submitter. Criteria: Invitae Variant Classification Sherloc (09022015). Collection method: clinical testing. Allele origin: germline.
Comment: This sequence change replaces glutamine, which is neutral and polar, with lysine, which is basic and polar, at codon 1503 of the TSC2 protein (p.Gln1503Lys). This variant is not present in population databases (gnomAD no frequency). This variant has not been reported in the literature in individuals affected with TSC2-related conditions. ClinVar contains an entry for this variant (Variation ID: 838445). Advanced modeling of protein sequence and biophysical properties (such as structural, functional, and spatial information, amino acid conservation, physicochemical variation, residue mobility, and thermodynamic stability) has been performed at Invitae for this missense variant, however the output from this modeling did not meet the statistical confidence thresholds required to predict the impact of this variant on TSC2 protein function. This variant disrupts the p.Gln1503 amino acid residue in TSC2. Other variant(s) that disrupt this residue have been determined to be pathogenic (PMID: 11403047, 21332470, 22903760). This suggests that this residue is clinically significant, and that variants that disrupt this residue are likely to be disease-causing. In summary, the available evidence is currently insufficient to determine the role of this variant in disease. Therefore, it has been classified as a Variant of Uncertain Significance.

Literature cited by the submitters: PubMed 11403047; PubMed 21332470; PubMed 22903760.